The following is an entry in ClinVar:

ClinVar aggregate classification (germline): Uncertain significance (1 of 4 stars; one submission).

Conditions:
Werner syndrome (WRN). Identifiers: Orphanet 902, MedGen C0043119, MONDO:0010196, OMIM 277700.

Allele frequency attached by ClinVar (database versions not stated): gnomAD exomes below 0.00001.
gnomAD v4.1: 1 of 1,614,176 alleles (0.000062%); highest among the groups gnomAD compares: Non-Finnish European, 0.000085%; no homozygotes.

Submission:

Labcorp Genetics (formerly Invitae), Labcorp
Classification: Uncertain significance for Werner syndrome. Last evaluated: 2022-08-23. Review status: criteria provided, single submitter. Criteria: Invitae Variant Classification Sherloc (09022015). Collection method: clinical testing. Allele origin: germline.
Comment: In summary, the available evidence is currently insufficient to determine the role of this variant in disease. Therefore, it has been classified as a Variant of Uncertain Significance. Algorithms developed to predict the effect of missense changes on protein structure and function are either unavailable or do not agree on the potential impact of this missense change (SIFT: "Not Available"; PolyPhen-2: "Probably Damaging"; Align-GVGD: "Not Available"). ClinVar contains an entry for this variant (Variation ID: 949737). This variant has not been reported in the literature in individuals affected with WRN-related conditions. This variant is not present in population databases (gnomAD no frequency). This sequence change replaces glutamine, which is neutral and polar, with arginine, which is basic and polar, at codon 1021 of the WRN protein (p.Gln1021Arg).

NM_000553.6(WRN):c.3062A>G (p.Gln1021Arg)

Gene: WRN (WRN RecQ like helicase; plus strand). Cytogenetic location: 8p12.
Variant type: single nucleotide variant.
Coding change: c.3062A>G on transcript NM_000553.6 (MANE Select); coding-DNA position 3062, A replaced by G.
Protein change: p.Gln1021Arg; replaces glutamine 1021 with arginine.
Molecular consequence: missense variant.
Genome position (GRCh38, 1-based): chr8:31,141,524, A>G. VCF-style: chr8-31141524-A-G. GRCh37 (hg19) VCF-style: chr8-30999040-A-G.
Other names: short protein forms Q1021R.
Identifiers: ClinVar variation 949737 (VCV000949737.6), dbSNP rs1802629716, ClinGen allele CA370922149.